The following is an entry in ClinVar:

ClinVar aggregate classification (germline): Uncertain significance (1 of 4 stars; one submission).

Submission:

Labcorp Genetics (formerly Invitae), Labcorp
Classification: Uncertain significance. Last evaluated: 2022-11-28. Review status: criteria provided, single submitter. Criteria: Invitae Variant Classification Sherloc (09022015). Collection method: clinical testing. Allele origin: germline.
Comment: In summary, the available evidence is currently insufficient to determine the role of this variant in disease. Therefore, it has been classified as a Variant of Uncertain Significance. This sequence change replaces serine, which is neutral and polar, with asparagine, which is neutral and polar, at codon 571 of the LCA5 protein (p.Ser571Asn). This variant is not present in population databases (gnomAD no frequency). This variant has not been reported in the literature in individuals affected with LCA5-related conditions. Algorithms developed to predict the effect of missense changes on protein structure and function output the following: SIFT: "Tolerated"; PolyPhen-2: "Benign"; Align-GVGD: "Class C0". The asparagine amino acid residue is found in multiple mammalian species, which suggests that this missense change does not adversely affect protein function.

NM_001122769.3(LCA5):c.1712G>A (p.Ser571Asn)

Gene: LCA5 (lebercilin LCA5; minus strand). Cytogenetic location: 6q14.1.
Variant type: single nucleotide variant.
Coding change: c.1712G>A on transcript NM_001122769.3 (MANE Select); coding-DNA position 1712, G replaced by A.
Protein change: p.Ser571Asn; replaces serine 571 with asparagine.
Molecular consequence: missense variant.
Genome position (GRCh38, 1-based): chr6:79,487,386, C>T on the plus strand (G>A on the coding strand, the complement: LCA5 is on the minus strand). VCF-style: chr6-79487386-C-T. GRCh37 (hg19) VCF-style: chr6-80197103-C-T.
Other names: c.1712G>A, p.Ser571Asn (NM_181714.4); short protein forms S571N.
Identifiers: ClinVar variation 1977245 (VCV001977245.5), dbSNP rs2533368620, ClinGen allele CA364638982.